The following is an entry in ClinVar:

ClinVar aggregate classification (germline): Uncertain significance (1 of 4 stars; one submission).

Submission:

Labcorp Genetics (formerly Invitae), Labcorp
Classification: Uncertain significance. Last evaluated: 2025-07-07. Review status: criteria provided, single submitter. Criteria: Invitae Variant Classification Sherloc (09022015). Collection method: clinical testing. Allele origin: germline.
Comment: This sequence change replaces serine, which is neutral and polar, with lysine, which is basic and polar, at codon 413 of the LZTR1 protein (p.Ser413Lys). Information on the frequency of this variant in the gnomAD database is not available, as this variant may be reported differently in the database. This variant has not been reported in the literature in individuals affected with LZTR1-related conditions. ClinVar contains an entry for this variant (Variation ID: 3728972). An algorithm developed to predict the effect of missense changes on protein structure and function (PolyPhen-2) suggests that this variant is likely to be disruptive. In summary, the available evidence is currently insufficient to determine the role of this variant in disease. Therefore, it has been classified as a Variant of Uncertain Significance.

NM_006767.4(LZTR1):c.1238_1239delinsAA (p.Ser413Lys)

Gene: LZTR1 (leucine zipper like post translational regulator 1; plus strand). Cytogenetic location: 22q11.21.
Variant type: Indel.
Coding change: c.1238_1239delinsAA on transcript NM_006767.4 (MANE Select); coding-DNA positions 1238 to 1239, GC replaced by AA.
Protein change: p.Ser413Lys; replaces serine 413 with lysine.
Molecular consequence: missense variant.
Genome position (GRCh38, 1-based): chr22:20,992,882-20,992,883, GC replaced by AA. VCF-style: chr22-20992882-GC-AA. GRCh37 (hg19) VCF-style: chr22-21347171-GC-AA.
Other names: short protein forms S413K.
Identifiers: ClinVar variation 3728972 (VCV003728972.2).